The following is an entry in ClinVar:

NM_006642.5(SDCCAG8):c.1817_1818dup (p.Ala607Ter)

Gene: SDCCAG8 (SHH signaling and ciliogenesis regulator SDCCAG8; plus strand). Cytogenetic location: 1q43.
Variant type: Duplication.
Coding change: c.1817_1818dup on transcript NM_006642.5 (MANE Select); coding-DNA positions 1817 to 1818, 2 bases duplicated (TA; older notation c.1817_1818dupTA).
Protein change: p.Ala607Ter; replaces alanine 607 with a stop codon.
Molecular consequence: nonsense.
Genome position (GRCh38, 1-based): chr1:243,418,040-243,418,041, TA duplicated. VCF-style (leftmost placement, unchanged base first): chr1-243418039-T-TTA. GRCh37 (hg19) VCF-style: chr1-243581341-T-TTA.
Other names: NC_000001.10:g.243581342_243581343dup; NP_006633.1:p.(Ala607Ter); c.914_915dup, p.Ala306Ter (NM_001350246.2, NM_001350247.2, NM_001350251.2); c.1913_1914dup, p.Ala639Ter (NM_001350248.2); c.1523_1524dup, p.Ala509Ter (NM_001350249.2); short protein forms A306*, A509*, A607*, A639*.
Identifiers: ClinVar variation 3381773 (VCV003381773.2).

ClinVar aggregate classification (germline): Pathogenic (1 of 4 stars; one submission).

Conditions:
Retinal dystrophy. Also called: Inherited retinal dystrophy. Identifiers: Orphanet 71862, MedGen C0854723, MeSH D058499, MONDO:0019118, HP:0000556.

Submission:

Ophthalmic Genetics Group, Institute of Molecular and Clinical Ophthalmology Basel
Classification: Pathogenic for Retinal dystrophy. Last evaluated: 2024-05-27. Review status: criteria provided, single submitter. Criteria: ACMG Guidelines, 2015. Collection method: research. Allele origin: germline. Affected: yes. Observed: 2 variant alleles.
Comment: This variant was classified as Pathogenic based on ACMG criteria: PVS1_strong, PM2_mod and PP1_strong

Literature cited by the submitters: PubMed 40180963.